The following is an entry in ClinVar:

ClinVar aggregate classification (germline): Uncertain significance (1 of 4 stars; one submission).

Conditions:
Propionic acidemia (PROP). Also called: KETOTIC HYPERGLYCINEMIA; GLYCINEMIA, KETOTIC; HYPERGLYCINEMIA WITH KETOACIDOSIS AND LEUKOPENIA. Identifiers: Orphanet 35, MedGen C0268579, MONDO:0011628, OMIM 606054, HP:0003571.

Submission:

Neuberg Centre For Genomic Medicine, NCGM
Classification: Uncertain significance for Propionic acidemia. Review status: criteria provided, single submitter. Criteria: ACMG Guidelines, 2015. Collection method: clinical testing. Allele origin: germline. Inheritance: Autosomal recessive inheritance. Affected: yes.
Comment: The missense variant c.1367G>A (p.Gly456Asp) in PCCA gene has not been reported previously as a pathogenic variant nor as a benign variant, to our knowledge. This variant is novel (not in any individuals) in gnomAD Exomes and 1000 Genomes. The amino acid Glycine at position 456 is changed to a Aspartic acid changing protein sequence and it might alter its composition and physico-chemical properties. The variant is predicted to be damaging by both SIFT and PolyPhen2. The residue is conserved across species. For these reasons, this variant has been classified as Uncertain Significance.

NM_000282.4(PCCA):c.1367G>A (p.Gly456Asp)

Gene: PCCA (propionyl-CoA carboxylase subunit alpha; plus strand). Cytogenetic location: 13q32.3.
Variant type: single nucleotide variant.
Coding change: c.1367G>A on transcript NM_000282.4 (MANE Select); coding-DNA position 1367, G replaced by A.
Protein change: p.Gly456Asp; replaces glycine 456 with aspartic acid.
Molecular consequence: missense variant. On other transcripts: non-coding transcript variant (5).
Genome position (GRCh38, 1-based): chr13:100,309,846, G>A. VCF-style: chr13-100309846-G-A. GRCh37 (hg19) VCF-style: chr13-100962100-G-A.
Other names: c.1289G>A, p.Gly430Asp (NM_001127692.3, NM_001352607.2); c.1367G>A, p.Gly456Asp (NM_001178004.2, NM_001352605.2, NM_001352609.2); c.1223G>A, p.Gly408Asp (NM_001352606.2); c.1145G>A, p.Gly382Asp (NM_001352608.2); c.422G>A, p.Gly141Asp (NM_001352610.2, NM_001352611.2); c.278G>A, p.Gly93Asp (NM_001352612.2); short protein forms G456D, G382D, G408D, G430D, G93D, G141D.
Identifiers: ClinVar variation 2585342 (VCV002585342.1), dbSNP rs2066766926, ClinGen allele CA388695775.